The following is an entry in ClinVar:

ClinVar aggregate classification (germline): Likely benign (1 of 4 stars; one submission).

Conditions:
Pseudohypoaldosteronism type 2B (PHA2B). Also called: Pseudohypoaldosteronism Type IIB. Identifiers: Orphanet 757, Orphanet 88939, MedGen C1840390, MONDO:0013777, OMIM 614491.

Allele frequency attached by ClinVar (database versions not stated): gnomAD exomes 0.00001 and 0.00010; ExAC 0.00002; gnomAD 0.00004; TOPMed 0.00005.
gnomAD v4.1: 149 of 1,613,906 alleles (0.0092%); highest among the groups gnomAD compares: Non-Finnish European, 0.012%; no homozygotes.

Submission:

Illumina Laboratory Services, Illumina
Classification: Likely benign for Pseudohypoaldosteronism type 2B. Last evaluated: 2018-01-12. Review status: criteria provided, single submitter. Criteria: ICSL Variant Classification Criteria 13 December 2019. Collection method: clinical testing. Allele origin: germline.
Comment: This variant was observed in the ICSL laboratory as part of a predisposition screen in an ostensibly healthy population. It had not been previously curated by ICSL or reported in the Human Gene Mutation Database (HGMD: prior to June 1st, 2018), and was therefore a candidate for classification through an automated scoring system. Utilizing variant allele frequency, disease prevalence and penetrance estimates, and inheritance mode, an automated score was calculated to assess if this variant is too frequent to cause the disease. Based on the score and internal cut-off values, a variant classified as likely benign is not then subjected to further curation. The score for this variant resulted in a classification of likely benign for this disease.

NM_032387.5(WNK4):c.1953C>T (p.Ser651=)

Gene: WNK4 (WNK lysine deficient protein kinase 4; plus strand). Cytogenetic location: 17q21.2.
Variant type: single nucleotide variant.
Coding change: c.1953C>T on transcript NM_032387.5 (MANE Select); coding-DNA position 1953, C replaced by T.
Protein change: p.Ser651=; no amino-acid change (serine 651 retained).
Molecular consequence: synonymous variant.
Genome position (GRCh38, 1-based): chr17:42,788,320, C>T. VCF-style: chr17-42788320-C-T. GRCh37 (hg19) VCF-style: chr17-40940338-C-T.
Other names: c.945C>T, p.Ser315= (NM_001321299.2).
Identifiers: ClinVar variation 323334 (VCV000323334.5), dbSNP rs766220456, ClinGen allele CA8584173.
Genomic context (GRCh38, chr17:42,788,320, plus strand): 5'-CAGTCATTCTCTCTCCTTTCTCTTTAACAGCTATGCCTCAGATGCAGCTTCAGGCCTTAG[C>T]GATGTGGGAGAAGGGATGGGACAAATGAGGAGACCCCCAGGGAGGAATCTCCGGCGCAGA-3'
Protein context (NP_115763.2, residues 641-661): SYASDAASGL[Ser651=]DVGEGMGQMR